The following is an entry in ClinVar:

ClinVar aggregate classification (germline): Likely benign (1 of 4 stars; one submission).

Allele frequency attached by ClinVar (database versions not stated): 1000 Genomes Project 30x 0.00078; 1000 Genomes Project 0.00080; ExAC 0.00083; gnomAD 0.00110; TOPMed 0.00133; ESP Exome Variant Server 0.00169.
gnomAD v4.1: 3,386 of 1,614,186 alleles (0.21%); highest among the groups gnomAD compares: Non-Finnish European, 0.27%; 9 homozygotes.

Submission:

CeGaT Center for Human Genetics Tuebingen
Classification: Likely benign. Last evaluated: 2023-11-01. Review status: criteria provided, single submitter. Criteria: CeGaT Center For Human Genetics Tuebingen Variant Classification Criteria Version 2. Collection method: clinical testing. Allele origin: germline. Affected: yes. Observed: 1 variant allele.
Comment: ZBTB21: BP4

NM_001098402.2(ZBTB21):c.574C>A (p.Pro192Thr)

Gene: ZBTB21 (zinc finger and BTB domain containing 21; minus strand). Cytogenetic location: 21q22.3.
Variant type: single nucleotide variant.
Coding change: c.574C>A on transcript NM_001098402.2 (MANE Select); coding-DNA position 574, C replaced by A.
Protein change: p.Pro192Thr; replaces proline 192 with threonine.
Molecular consequence: missense variant.
Genome position (GRCh38, 1-based): chr21:41,993,522, G>T on the plus strand (C>A on the coding strand, the complement: ZBTB21 is on the minus strand). VCF-style: chr21-41993522-G-T. GRCh37 (hg19) VCF-style: chr21-43413631-G-T.
Other names: c.574C>A, p.Pro192Thr (NM_001098403.2, NM_001320729.2, NM_001320731.2 and 1 more transcripts); short protein forms P192T.
Identifiers: ClinVar variation 2672890 (VCV002672890.23), dbSNP rs139205397, ClinGen allele CA10038901.